The following is an entry in ClinVar:

ClinVar aggregate classification (germline): Uncertain significance. Review status: criteria provided, multiple submitters, no conflicts (2 of 4 stars). 2 submissions from 2 submitters: Uncertain significance (2). Last evaluated 2025-02-10.

Conditions:
Multiple endocrine neoplasia, type 1 (MEN1). Also called: MEN I; WERMER SYNDROME; Endocrine adenomatosis multiple; MEN 1; MEA I. Identifiers: Orphanet 652, MedGen C0025267, MeSH D018761, MONDO:0007540, OMIM 131100.
Hereditary cancer-predisposing syndrome. Also called: Neoplastic Syndromes, Hereditary; Tumor predisposition; Hereditary neoplastic syndrome; Hereditary Cancer Syndrome. Identifiers: Orphanet 140162, MedGen C0027672, MeSH D009386, MONDO:0015356.

Submissions (2):

Ambry Genetics
Classification: Uncertain significance for Hereditary cancer-predisposing syndrome. Last evaluated: 2025-02-10. Review status: criteria provided, single submitter. Criteria: Ambry Variant Classification Scheme 2023. Collection method: clinical testing. Allele origin: germline.
Comment: The p.G509V variant (also known as c.1526G>T), located in coding exon 9 of the MEN1 gene, results from a G to T substitution at nucleotide position 1526. The glycine at codon 509 is replaced by valine, an amino acid with dissimilar properties. This amino acid position is not well conserved in available vertebrate species. In addition, this alteration is predicted to be tolerated by in silico analysis. Based on the available evidence, the clinical significance of this variant remains unclear.

Labcorp Genetics (formerly Invitae), Labcorp
Classification: Uncertain significance for Multiple endocrine neoplasia, type 1. Last evaluated: 2017-11-24. Review status: criteria provided, single submitter. Criteria: Invitae Variant Classification Sherloc (09022015). Collection method: clinical testing. Allele origin: germline.
Comment: In summary, the available evidence is currently insufficient to determine the role of this variant in disease. Therefore, it has been classified as a Variant of Uncertain Significance. Algorithms developed to predict the effect of missense changes on protein structure and function do not agree on the potential impact of this missense change (SIFT: "Deleterious"; PolyPhen-2: "Benign"; Align-GVGD: "Class C0"). This variant has not been reported in the literature in individuals with MEN1-related disease. This variant is not present in population databases (ExAC no frequency). This sequence change replaces glycine with valine at codon 509 of the MEN1 protein (p.Gly509Val). The glycine residue is moderately conserved and there is a moderate physicochemical difference between glycine and valine.

NM_001370259.2(MEN1):c.1526G>T (p.Gly509Val)

Gene: MEN1 (menin 1; minus strand). Cytogenetic location: 11q13.1.
Variant type: single nucleotide variant.
Coding change: c.1526G>T on transcript NM_001370259.2 (MANE Select); coding-DNA position 1526, G replaced by T.
Protein change: p.Gly509Val; replaces glycine 509 with valine.
Molecular consequence: missense variant.
Genome position (GRCh38, 1-based): chr11:64,804,641, C>A on the plus strand (G>T on the coding strand, the complement: MEN1 is on the minus strand). VCF-style: chr11-64804641-C-A. GRCh37 (hg19) VCF-style: chr11-64572113-C-A.
Other names: c.1541G>T, p.Gly514Val (NM_000244.4, NM_130800.3, NM_130801.3 and 3 more transcripts); c.1652G>T, p.Gly551Val (NM_001370251.2); c.1526G>T, p.Gly509Val (NM_001370260.2, NM_001370261.2, NM_130799.3); c.1421G>T, p.Gly474Val (NM_001370262.2, NM_001370263.2); short protein forms G509V, G514V, G474V, G551V.
Identifiers: ClinVar variation 527256 (VCV000527256.9), dbSNP rs769355346, ClinGen allele CA381178671.